The following is an entry in ClinVar:

NM_003640.5(ELP1):c.2321_2323delinsATCTAT (p.Ile774_Asp775delinsAsnLeuTyr)

Gene: ELP1 (elongator acetyltransferase complex subunit 1; minus strand). Cytogenetic location: 9q31.3.
Variant type: Indel.
Coding change: c.2321_2323delinsATCTAT on transcript NM_003640.5 (MANE Select); coding-DNA positions 2321 to 2323, TAG replaced by ATCTAT.
Protein change: p.Ile774_Asp775delinsAsnLeuTyr.
Molecular consequence: inframe indel.
Genome position (GRCh38, 1-based): chr9:108,898,542-108,898,544, CTA replaced by ATAGAT on the plus strand (TAG replaced by ATCTAT on the coding strand, the reverse complement: ELP1 is on the minus strand). VCF-style: chr9-108898542-CTA-ATAGAT. GRCh37 (hg19) VCF-style: chr9-111660822-CTA-ATAGAT.
Other names: c.1979_1981delinsATCTAT, p.Ile660_Asp661delinsAsnLeuTyr (NM_001318360.2); c.1274_1276delinsATCTAT, p.Ile425_Asp426delinsAsnLeuTyr (NM_001330749.2).
Identifiers: ClinVar variation 5004518 (VCV005004518.1).

ClinVar aggregate classification (germline): Uncertain significance (1 of 4 stars; one submission).

Conditions:
Familial dysautonomia. Also called: FD; HSAN III. Identifiers: Orphanet 1764, MedGen C0013364, MONDO:0009131, OMIM 223900. Disease mechanism: loss of function.

Submission:

Myriad Genetics, Inc.
Classification: Uncertain significance for Familial dysautonomia. Last evaluated: 2026-03-06. Review status: criteria provided, single submitter. Criteria: Myriad Autosomal Dominant, Autosomal Recessive and X-Linked Classification Criteria (2023). Collection method: clinical testing. Allele origin: unknown.
Comment: NM_003640.3(ELP1):c.2321_2323del3ins6(I774_D775delinsNLY) is an in-frame deletion classified as a variant of uncertain significance in the context of familial dysautonomia. I774_D775delinsNLY has not been observed in cases with relevant disease. Relevant functional assessments of this variant are not available in the literature. I774_D775delinsNLY has not been observed in referenced population frequency databases. In summary, there is insufficient evidence to classify NM_003640.3(ELP1):c.2321_2323del3ins6(I774_D775delinsNLY) as pathogenic or benign. Please note: this variant was assessed in the context of healthy population screening.